The following is an entry in ClinVar:

ClinVar aggregate classification (germline): Likely pathogenic (1 of 4 stars; one submission).

Conditions:
Neurodevelopmental disorder with hypotonia, brain anomalies, distinctive facies, and absent language. Also called: ReNU SYNDROME; RNU4-2-Related Neurodevelopmental Disorder; RNU4-2–Related Autosomal Dominant Neurodevelopmental Disorder. Identifiers: Orphanet 686488, MedGen C5935628, MONDO:0971172, OMIM 620851.

gnomAD v4.1: 1 of 152,136 alleles (0.00066%); highest among the groups gnomAD compares: Non-Finnish European, 0.0015%; no homozygotes.

Submission:

Centre for Population Genomics, CPG
Classification: Likely pathogenic for RNU4-2-Related Neurodevelopmental Disorder. Last evaluated: 2026-02-11. Review status: criteria provided, single submitter. Criteria: Ellingford et al. (Genome Med. 2022). Collection method: research. Allele origin: germline. Inheritance: Autosomal recessive inheritance. Affected: yes. Observed: 3 variant alleles, 3 compound heterozygotes.
Comment: PM2_supp,PS3_supp,PM1,PM5,PM3

NR_003137.3(RNU4-2):n.45G>C

Genes: RNU4-2 (RNA, U4 small nuclear 2; minus strand), SIRT4 (sirtuin 4; plus strand). Cytogenetic location: 12q24.23.
Variant type: single nucleotide variant.
Molecular consequence: non-coding transcript variant (on NR_003137.3).
Genome position: GRCh38 VCF-style: chr12-120291859-C-G. GRCh37 (hg19) VCF-style: chr12-120729662-C-G.
Identifiers: ClinVar variation 4795832 (VCV004795832.1).